The following is an entry in ClinVar:

NM_052947.4(ALPK2):c.2584G>A (p.Val862Ile)

Gene: ALPK2 (alpha kinase 2; minus strand). Cytogenetic location: 18q21.31.
Variant type: single nucleotide variant.
Coding change: c.2584G>A on transcript NM_052947.4 (MANE Select); coding-DNA position 2584, G replaced by A.
Protein change: p.Val862Ile; replaces valine 862 with isoleucine.
Molecular consequence: missense variant.
Genome position (GRCh38, 1-based): chr18:58,537,603, C>T on the plus strand (G>A on the coding strand, the complement: ALPK2 is on the minus strand). VCF-style: chr18-58537603-C-T. GRCh37 (hg19) VCF-style: chr18-56204835-C-T.
Other names: short protein forms V862I.
Identifiers: ClinVar variation 1793416 (VCV001793416.3), dbSNP rs199588813, ClinGen allele CA8977051.

ClinVar aggregate classification (germline): Uncertain significance (1 of 4 stars; one submission).

Allele frequency attached by ClinVar (database versions not stated): gnomAD exomes below 0.00001; TOPMed below 0.00001; ExAC 0.00001; gnomAD 0.00001; 1000 Genomes Project 30x 0.00016; 1000 Genomes Project 0.00020.
gnomAD v4.1: 5 of 1,613,732 alleles (0.00031%); highest among the groups gnomAD compares: Non-Finnish European, 0.00042%; no homozygotes.

Submission:

Ambry Genetics
Classification: Uncertain significance. Last evaluated: 2024-06-25. Review status: criteria provided, single submitter. Criteria: Ambry Variant Classification Scheme 2023. Collection method: clinical testing. Allele origin: germline.
Comment: The p.V862I variant (also known as c.2584G>A), located in coding exon 4 of the ALPK2 gene, results from a G to A substitution at nucleotide position 2584. The valine at codon 862 is replaced by isoleucine, an amino acid with highly similar properties. This amino acid position is conserved. In addition, this alteration is predicted to be tolerated by in silico analysis. Since supporting evidence is limited at this time, the clinical significance of this alteration remains unclear.